The following is an entry in ClinVar:

NM_015164.4(PLEKHM2):c.2193A>C (p.Gln731His)

Gene: PLEKHM2 (pleckstrin homology and RUN domain containing M2; plus strand). Cytogenetic location: 1p36.21.
Variant type: single nucleotide variant.
Coding change: c.2193A>C on transcript NM_015164.4 (MANE Select); coding-DNA position 2193, A replaced by C.
Protein change: p.Gln731His; replaces glutamine 731 with histidine.
Molecular consequence: missense variant.
Genome position (GRCh38, 1-based): chr1:15,729,914, A>C. VCF-style: chr1-15729914-A-C. GRCh37 (hg19) VCF-style: chr1-16056409-A-C.
Other names: c.2133A>C, p.Gln711His (NM_001410755.1); short protein forms Q711H, Q731H.
Identifiers: ClinVar variation 2113721 (VCV002113721.4), dbSNP rs1377306026, ClinGen allele CA338570193.

ClinVar aggregate classification (germline): Uncertain significance (1 of 4 stars; one submission).

Submission:

Labcorp Genetics (formerly Invitae), Labcorp
Classification: Uncertain significance. Last evaluated: 2022-03-18. Review status: criteria provided, single submitter. Criteria: Invitae Variant Classification Sherloc (09022015). Collection method: clinical testing. Allele origin: germline.
Comment: Algorithms developed to predict the effect of missense changes on protein structure and function are either unavailable or do not agree on the potential impact of this missense change (SIFT: "Deleterious"; PolyPhen-2: "Probably Damaging"; Align-GVGD: "Class C0"). In summary, the available evidence is currently insufficient to determine the role of this variant in disease. Therefore, it has been classified as a Variant of Uncertain Significance. This variant has not been reported in the literature in individuals affected with PLEKHM2-related conditions. This sequence change replaces glutamine, which is neutral and polar, with histidine, which is basic and polar, at codon 731 of the PLEKHM2 protein (p.Gln731His). This variant is not present in population databases (gnomAD no frequency).